The following is an entry in ClinVar:

NM_001146.5(ANGPT1):c.809-7_809-5dup

Gene: ANGPT1 (angiopoietin 1; minus strand). Cytogenetic location: 8q23.1.
Variant type: Duplication.
Coding change: c.809-7_809-5dup on transcript NM_001146.5 (MANE Select); 7 bases into the intron before coding-DNA position 809 through 5 bases into the intron before coding-DNA position 809, 3 bases duplicated (TTT; older notation c.809-7_809-5dupTTT).
Molecular consequence: intron variant.
Genome position (GRCh38, 1-based): chr8:107,303,372-107,303,374, AAA duplicated on the plus strand (TTT on the coding strand, the reverse complement: ANGPT1 is on the minus strand); duplicating any 3 consecutive bases within chr8:107,303,372-107,303,386 gives the same sequence; the c. name uses the placement nearest the transcript's 3' end. VCF-style (leftmost placement, unchanged base first): chr8-107303371-C-CAAA. GRCh37 (hg19) VCF-style: chr8-108315599-C-CAAA.
Other names: p.?; c.806-7_806-5dup (NM_001199859.3); c.209-7_209-5dup (NM_001314051.2).
Identifiers: ClinVar variation 4683355 (VCV004683355.1).

ClinVar aggregate classification (germline): Benign (1 of 4 stars; one submission).

Submission:

Mayo Clinic Laboratories, Mayo Clinic
Classification: Benign. Last evaluated: 2025-10-08. Review status: criteria provided, single submitter. Criteria: ACMG Guidelines, 2015. Collection method: clinical testing. Allele origin: germline. Observed: 1 variant allele.
Comment: BS1, BS2, BP4, BP7